The following is an entry in ClinVar:

NM_001330683.2(TTC3):c.5583T>C (p.Thr1861=)

Gene: TTC3 (tetratricopeptide repeat domain 3; plus strand). Cytogenetic location: 21q22.13.
Variant type: single nucleotide variant.
Coding change: c.5583T>C on transcript NM_001330683.2 (MANE Select); coding-DNA position 5583, T replaced by C.
Protein change: p.Thr1861=; no amino-acid change (threonine 1861 retained).
Molecular consequence: synonymous variant.
Genome position (GRCh38, 1-based): chr21:37,197,573, T>C. VCF-style: chr21-37197573-T-C. GRCh37 (hg19) VCF-style: chr21-38569874-T-C.
Other names: c.5583T>C, p.Thr1861= (NM_001001894.3, NM_003316.4); c.5703T>C, p.Thr1901= (NM_001320703.2); c.5637T>C, p.Thr1879= (NM_001320704.2); c.4653T>C, p.Thr1551= (NM_001330681.2, NM_001330682.2, NM_001353936.2); c.3417T>C, p.Thr1139= (NM_001353937.2, NM_001353938.2).
Identifiers: ClinVar variation 720826 (VCV000720826.29), dbSNP rs146011177, ClinGen allele CA10023008.

ClinVar aggregate classification (germline): Benign/Likely benign. Review status: criteria provided, multiple submitters, no conflicts (2 of 4 stars). 3 submissions from 3 submitters: Benign (2); Likely benign (1). Last evaluated 2022-05-01.

Allele frequency attached by ClinVar (database versions not stated): 1000 Genomes Project 30x 0.00047; 1000 Genomes Project 0.00060; gnomAD 0.00189 and 0.00198; TOPMed 0.00192; ExAC 0.00214; gnomAD exomes 0.00237 and 0.00252; ESP Exome Variant Server 0.00269.
gnomAD v4.1: 3,981 of 1,611,946 alleles (0.25%); highest among the groups gnomAD compares: Middle Eastern, 0.38%; 6 homozygotes.

Submissions (3):

CeGaT Center for Human Genetics Tuebingen
Classification: Likely benign. Last evaluated: 2022-05-01. Review status: criteria provided, single submitter. Criteria: CeGaT Center For Human Genetics Tuebingen Variant Classification Criteria Version 2. Collection method: clinical testing. Allele origin: germline. Affected: yes. Observed: 1 variant allele.
Comment: TTC3: BP4, BP7

Labcorp Genetics (formerly Invitae), Labcorp
Classification: Benign. Last evaluated: 2019-12-31. Review status: criteria provided, single submitter. Criteria: Invitae Variant Classification Sherloc (09022015). Collection method: clinical testing. Allele origin: germline.

Breakthrough Genomics
Classification: Benign. Review status: criteria provided, single submitter. Criteria: ACMG Guidelines, 2015. Collection method: not provided. Allele origin: germline. Inheritance: Unknown mechanism. Affected: yes.